The following is an entry in ClinVar:

ClinVar aggregate classification (germline): Likely benign. Review status: criteria provided, multiple submitters, no conflicts (2 of 4 stars). 2 submissions from 2 submitters: Likely benign (2). Last evaluated 2023-10-07.

Conditions:
Early-infantile DEE. Also called: Ohtahara syndrome; Early infantile epileptic encephalopathy; Early infantile epileptic encephalopathy with suppression bursts. Identifiers: Orphanet 1934, MedGen C0393706, MONDO:0800491.

gnomAD v4.1: 4 of 1,613,960 alleles (0.00025%); highest among the groups gnomAD compares: Non-Finnish European, 0.00025%; no homozygotes.

Submissions (2):

Labcorp Genetics (formerly Invitae), Labcorp
Classification: Likely benign for Early-infantile DEE. Last evaluated: 2023-10-07. Review status: criteria provided, single submitter. Criteria: Invitae Variant Classification Sherloc (09022015). Collection method: clinical testing. Allele origin: germline.

GeneDx
Classification: Likely benign. Last evaluated: 2016-09-02. Review status: criteria provided, single submitter. Criteria: GeneDx Variant Classification (06012015). Collection method: clinical testing. Allele origin: germline. Affected: yes.
Comment: This variant is considered likely benign or benign based on one or more of the following criteria: it is a conservative change, it occurs at a poorly conserved position in the protein, it is predicted to be benign by multiple in silico algorithms, and/or has population frequency not consistent with disease.

NM_001330260.2(SCN8A):c.3943-17C>G

Gene: SCN8A (sodium voltage-gated channel alpha subunit 8; plus strand). Cytogenetic location: 12q13.13.
Variant type: single nucleotide variant.
Coding change: c.3943-17C>G on transcript NM_001330260.2 (MANE Select); 17 bases into the intron before coding-DNA position 3943, C replaced by G.
Molecular consequence: intron variant.
Genome position (GRCh38, 1-based): chr12:51,786,525, C>G. VCF-style: chr12-51786525-C-G. GRCh37 (hg19) VCF-style: chr12-52180309-C-G.
Other names: c.3943-17C>G (NM_014191.4); c.3820-17C>G (NM_001177984.3, NM_001369788.1).
Identifiers: ClinVar variation 388989 (VCV000388989.7), dbSNP rs1057523298, ClinGen allele CA16607358.